The following is an entry in ClinVar:

NM_138694.4(PKHD1):c.10628_10635del (p.Leu3543fs)

Gene: PKHD1 (PKHD1 ciliary IPT domain containing fibrocystin/polyductin; minus strand). Cytogenetic location: 6p12.3.
Variant type: Deletion.
Coding change: c.10628_10635del on transcript NM_138694.4 (MANE Select); coding-DNA positions 10628 to 10635, 8 bases deleted (TGTATGTT; older notation c.10628_10635delTGTATGTT).
Protein change: p.Leu3543fs; shifts the reading frame from leucine 3543.
Molecular consequence: frameshift variant.
Genome position (GRCh38, 1-based): chr6:51,659,491-51,659,498, AACATACA deleted on the plus strand (TGTATGTT on the coding strand, the reverse complement: PKHD1 is on the minus strand); deleting any 8 consecutive bases within chr6:51,659,491-51,659,499 gives the same sequence; the c. name uses the placement nearest the transcript's 3' end. VCF-style (leftmost placement, unchanged base first): chr6-51659490-CAACATACA-C. GRCh37 (hg19) VCF-style: chr6-51524288-CAACATACA-C.
Other names: c.10628_10635delTGTATGTT (NM_138694.3); short protein forms L3543fs.
Identifiers: ClinVar variation 813372 (VCV000813372.24), dbSNP rs752889346, ClinGen allele CA3851043.

ClinVar aggregate classification (germline): Pathogenic/Likely pathogenic. Review status: criteria provided, multiple submitters, no conflicts (2 of 4 stars). 10 submissions from 9 submitters: Pathogenic (9); Likely pathogenic (1). Last evaluated 2026-02-08.

Conditions:
Polycystic kidney disease 4 (PKD4). Also called: POLYCYSTIC KIDNEY AND HEPATIC DISEASE 1; POLYCYSTIC KIDNEY DISEASE, INFANTILE, TYPE I; Autosomal Recessive Polycystic Kidney Disease – PKHD1; PKD3; POLYCYSTIC KIDNEY DISEASE 4 WITH OR WITHOUT POLYCYSTIC LIVER DISEASE. Identifiers: MedGen C4540575, MONDO:0033004, OMIM 263200.
PKHD1-related disorder. Also called: PKHD1-related condition.
Autosomal recessive polycystic kidney disease (ARPKD). Also called: AR polycystic kidney disease. Identifiers: Orphanet 731, Orphanet 8378, MedGen C0085548, MeSH D017044, MONDO:0009889.

Submissions (10):

Otogenetics
Classification: Pathogenic for Autosomal recessive polycystic kidney disease. Last evaluated: 2026-02-08. Review status: criteria provided, single submitter. Criteria: ACMG Guidelines, 2015. Collection method: clinical testing. Allele origin: germline.
Comment: PVS1: Frameshift indel introduces premature stop codon in gene with loss of function as mechanism of disease, predicted to undergo NMD; PM2: Maximum gnomAD MAF of 0.0009% in European-Non Finnish (NFE) subpopulation (<0.271% threshold); PM3_Supporting: Variant reported in trans with one pathogenic variant in one individual affected with early onset polycystic kidney disease (PMID: 19914852)

GeneDx
Classification: Pathogenic. Last evaluated: 2025-12-23. Review status: criteria provided, single submitter. Criteria: GeneDx Variant Classification Process June 2021. Collection method: clinical testing. Allele origin: germline. Affected: yes.
Comment: Frameshift variant predicted to result in protein truncation or nonsense mediated decay in a gene for which loss-of-function is a known mechanism of disease; Not observed at significant frequency in large population cohorts (gnomAD); This variant is associated with the following publications: (PMID: 30650191, 19914852)

Natera, Inc.
Classification: Pathogenic for Autosomal recessive polycystic kidney disease. Last evaluated: 2025-08-22. Review status: criteria provided, single submitter. Criteria: Natera Variant Classification Schema (03/2026). Collection method: clinical testing. Allele origin: germline.
Comment: The c.10628_10635delTGTATGTT variant in PKHD1 is a frameshift variant predicted to shift the reading frame beginning at codon 3543 and leads to a stop codon 9 codons downstream. This variant is expected to result in nonsense mediated decay, truncation, or a dysfunctional protein product. This variant is rare in the general population with a frequency below the threshold expected for the associated phenotype(s). This variant has been observed in one or more individuals affected with the associated recessive disease, as either homozygous or compound heterozygous with a second variant (PMID: 19914852). Given the available evidence, this variant is classified as Pathogenic.

Victorian Clinical Genetics Services, Murdoch Childrens Research Institute
Classification: Pathogenic for Polycystic kidney disease 4. Last evaluated: 2024-09-19. Review status: criteria provided, single submitter. Criteria: ACMG Guidelines, 2015. Collection method: clinical testing. Allele origin: germline. Inheritance: Autosomal recessive inheritance. Affected: yes.
Comment: Based on the classification scheme VCGS_Germline_v1.3.4, this variant is classified as Pathogenic. Following criteria are met: 0102 - Loss of function is a known mechanism of disease in this gene and is associated with polycystic kidney disease 4, with or without hepatic disease (MIM#263200). (I) 0106 - This gene is associated with autosomal recessive disease; however, there are emerging reports of heterozygous carriers of PKHD1 variants developing liver cysts and nephrocalcinosis (PMID: 21945273). (I) 0115 - Variants in this gene are known to have variable expressivity. Significant intrafamilial variability has been reported (PMID: 20301501). (I) 0201 - Variant is predicted to cause nonsense-mediated decay (NMD) and loss of protein (premature termination codon is located at least 54 nucleotides upstream of the final exon-exon junction). (SP) 0251 - This variant is heterozygous. (I) 0304 - Variant is present in gnomAD (v2) <0.01 for a recessive condition (1 heterozygote, 0 homozygotes). (SP) 0701 - Other NMD-predicted variants comparable to the one identified in this case have very strong previous evidence for pathogenicity (DECIPHER). (SP) 0801 - This variant has strong previous evidence of pathogenicity in unrelated individuals. This variant has been reported several times as likely pathogenic and pathogenic, and observed in a compound heterozygous fetus with hyperechogenic kidneys (ClinVar, PMID: 30650191). (SP) 1208 - Inheritance information for this variant is not currently available in this individual. (I) Legend: (SP) - Supporting pathogenic, (I) - Information, (SB) - Supporting benign

Labcorp Genetics (formerly Invitae), Labcorp
Classification: Pathogenic for Autosomal recessive polycystic kidney disease. Last evaluated: 2024-01-27. Review status: criteria provided, single submitter. Criteria: Invitae Variant Classification Sherloc (09022015). Collection method: clinical testing. Allele origin: germline.
Comment: This sequence change creates a premature translational stop signal (p.Leu3543Cysfs*9) in the PKHD1 gene. It is expected to result in an absent or disrupted protein product. Loss-of-function variants in PKHD1 are known to be pathogenic (PMID: 19940839). This variant is present in population databases (rs752889346, gnomAD 0.0009%). This premature translational stop signal has been observed in individual(s) with clinical features of autosomal recessive polycystic kidney disease (PMID: 19914852, 30650191). ClinVar contains an entry for this variant (Variation ID: 813372). For these reasons, this variant has been classified as Pathogenic.

Fulgent Genetics
Classification: Pathogenic for Polycystic kidney disease 4. Last evaluated: 2024-01-07. Review status: criteria provided, single submitter. Criteria: ACMG Guidelines, 2015. Collection method: clinical testing. Allele origin: germline.

Baylor Genetics
Classification: Pathogenic for Polycystic kidney disease 4. Last evaluated: 2023-12-06. Review status: criteria provided, single submitter. Criteria: ACMG Guidelines, 2015. Collection method: clinical testing. Allele origin: unknown.

Blueprint Genetics
Classification: Pathogenic for PKHD1-related disorders. Last evaluated: 2023-06-25. Review status: criteria provided, single submitter. Criteria: ACMG Guidelines, 2015. Collection method: clinical testing. Allele origin: germline. Affected: yes. Observed: 5 variant alleles.

Women's Health and Genetics/Laboratory Corporation of America, LabCorp
Classification: Likely pathogenic for Autosomal recessive polycystic kidney disease. Last evaluated: 2022-10-31. Review status: criteria provided, single submitter. Criteria: LabCorp Variant Classification Summary - May 2015. Collection method: clinical testing. Allele origin: germline.
Comment: Variant summary: PKHD1 c.10628_10635delTGTATGTT (p.Leu3543CysfsX9) results in a premature termination codon, predicted to cause a truncation of the encoded protein or absence of the protein due to nonsense mediated decay, which are commonly known mechanisms for disease. Truncations downstream of this position have been classified as pathogenic by our laboratory. The variant allele was found at a frequency of 4e-06 in 250198 control chromosomes. c.10628_10635delTGTATGTT has been reported in the literature in at least one individual affected with Polycystic Kidney And Hepatic Disease (Gunay-Aygun_2010) and in one fetus with isolated bilateral hyperechogenic kidneys (Shuster_2019). The variant was found in trans with other pathogenic/likely pathogenic variants in these patients (e.g. p.Ile222Val), providing moderate evidence of pathogenicity. These data indicate that the variant is likely to be associated with disease. To our knowledge, no experimental evidence demonstrating an impact on protein function has been reported. One clinical diagnostic laboratory has submitted clinical-significance assessments for this variant to ClinVar after 2014 without evidence for independent evaluation, classifying the variant as pathogenic. Based on the evidence outlined above, the variant was classified as likely pathogenic.

Baylor Genetics
Classification: Pathogenic for Polycystic kidney disease 4. Review status: criteria provided, single submitter. Criteria: ACMG Guidelines, 2015. Collection method: clinical testing. Allele origin: germline.

Literature cited by the submitters: PubMed 19914852 (cited by 4 submitters); PubMed 20301501 (cited by Victorian Clinical Genetics Services, Murdoch Childrens Research Institute); PubMed 21945273 (cited by Victorian Clinical Genetics Services, Murdoch Childrens Research Institute); PubMed 30650191 (cited by 3 submitters); PubMed 19940839 (cited by Labcorp Genetics (formerly Invitae), Labcorp); PubMed 20413436 (cited by Women's Health and Genetics/Laboratory Corporation of America, LabCorp); PubMed 31624253 (cited by Women's Health and Genetics/Laboratory Corporation of America, LabCorp).